The following is an entry in ClinVar:

ClinVar aggregate classification (germline): Pathogenic (1 of 4 stars; one submission).

Conditions:
Treacher Collins syndrome 1 (TCS1). Also called: TCOF1-Related Treacher Collins Syndrome. Identifiers: Orphanet 861, MedGen CN315775, MONDO:0007944, OMIM 154500.

Submission:

Labcorp Genetics (formerly Invitae), Labcorp
Classification: Pathogenic for Treacher Collins syndrome 1. Last evaluated: 2022-02-11. Review status: criteria provided, single submitter. Criteria: Invitae Variant Classification Sherloc (09022015). Collection method: clinical testing. Allele origin: germline.
Comment: For these reasons, this variant has been classified as Pathogenic. This variant has not been reported in the literature in individuals affected with TCOF1-related conditions. This variant is not present in population databases (gnomAD no frequency). This sequence change creates a premature translational stop signal (p.Pro680Glnfs*31) in the TCOF1 gene. It is expected to result in an absent or disrupted protein product. Loss-of-function variants in TCOF1 are known to be pathogenic (PMID: 8894686, 22317976).

Literature cited by the submitters: PubMed 8894686; PubMed 22317976.

NM_001371623.1(TCOF1):c.2039del (p.Pro680fs)

Gene: TCOF1 (treacle ribosome biogenesis factor 1; plus strand). Cytogenetic location: 5q32.
Variant type: Deletion.
Coding change: c.2039del on transcript NM_001371623.1 (MANE Select); coding-DNA position 2039, one base deleted (C; older notation c.2039delC).
Protein change: p.Pro680fs; shifts the reading frame from proline 680.
Molecular consequence: frameshift variant.
Genome position (GRCh38, 1-based): chr5:150,376,227, C deleted; the last of 4 consecutive C bases (chr5:150,376,224-150,376,227); deleting any one gives the same sequence. VCF-style (leftmost placement, unchanged base first): chr5-150376223-TC-T. GRCh37 (hg19) VCF-style: chr5-149755786-TC-T.
Other names: c.1808del, p.Pro603fs (NM_000356.4, NM_001135245.2); c.2039del, p.Pro680fs (NM_001008657.3, NM_001135243.2, NM_001135244.2 and 1 more transcripts); short protein forms P603fs, P680fs.
Identifiers: ClinVar variation 2096686 (VCV002096686.4), dbSNP rs2533515258, ClinGen allele CA2580073898.